The following is an entry in ClinVar:

ClinVar aggregate classification (germline): Pathogenic/Likely pathogenic. Review status: criteria provided, multiple submitters, no conflicts (2 of 4 stars). 9 submissions from 9 submitters: Pathogenic (6); Likely pathogenic (2). 1 of the submissions does not count toward it. Last evaluated 2025-06-09.

Conditions:
Oculocutaneous albinism. Identifiers: Orphanet 55, MedGen C0078918, MONDO:0018910.
SKIN/HAIR/EYE PIGMENTATION 1, BLUE/NONBLUE EYES (SHEP1). Also called: BROWN EYE COLOR 2; EYE COLOR 3; EYE COLOR, BLUE/NONBLUE; EYE COLOR, BROWN/BLUE; HAIR COLOR 3; SKIN/HAIR/EYE PIGMENTATION 1, BLOND/BROWN HAIR. Identifiers: MedGen C1856895, OMIM 227220.
Tyrosinase-positive oculocutaneous albinism (OCA2). Also called: ALBINISM II; Oculocutaneous albinism type 2; Albinism, oculocutaneous, type II. Identifiers: Orphanet 79432, MedGen C0268495, MONDO:0008746, OMIM 203200.
OCA2-related disorder. Also called: OCA2-related condition.

Allele frequency attached by ClinVar (database versions not stated): gnomAD exomes 0.00001 and 0.00003; gnomAD 0.00005 and 0.00004; TOPMed 0.00003; ExAC 0.00004; 1000 Genomes Project 30x 0.00031; 1000 Genomes Project 0.00040.
gnomAD v4.1: 19 of 1,613,842 alleles (0.0012%); highest among the groups gnomAD compares: East Asian, 0.0045%; no homozygotes.

Submissions (9):

GeneDx
Classification: Pathogenic. Last evaluated: 2025-06-09. Review status: criteria provided, single submitter. Criteria: GeneDx Variant Classification Process June 2021. Collection method: clinical testing. Allele origin: germline. Affected: yes.
Comment: Published functional studies demonstrate a damaging effect: reduced melanin content in transfected cells (PMID: 32259106). Clinical manifestations of oculocutaneous albinism were also observed in rhesus macaques with the variant in the homozygous state (PMID: 32259106); In silico analysis supports that this missense variant has a deleterious effect on protein structure/function; This variant is associated with the following publications: (PMID: 23824587, 31229681, 31196117, 34838614, 33057194, 37471664, 35982159, 31813138, 32259106)

Labcorp Genetics (formerly Invitae), Labcorp
Classification: Pathogenic. Last evaluated: 2025-03-27. Review status: criteria provided, single submitter. Criteria: Invitae Variant Classification Sherloc (09022015). Collection method: clinical testing. Allele origin: germline.
Comment: This sequence change replaces serine, which is neutral and polar, with leucine, which is neutral and non-polar, at codon 788 of the OCA2 protein (p.Ser788Leu). This variant is present in population databases (rs147736385, gnomAD 0.006%). This missense change has been observed in individual(s) with oculocutaneous albinism (PMID: 31196117, 31813138; SOURCE: 31813138). In at least one individual the data is consistent with being in trans (on the opposite chromosome) from a pathogenic variant. ClinVar contains an entry for this variant (Variation ID: 627604). Invitae Evidence Modeling of protein sequence and biophysical properties (such as structural, functional, and spatial information, amino acid conservation, physicochemical variation, residue mobility, and thermodynamic stability) has been performed for this missense variant. However, the output from this modeling did not meet the statistical confidence thresholds required to predict the impact of this variant on OCA2 protein function. This variant disrupts the p.Ser788 amino acid residue in OCA2. Other variant(s) that disrupt this residue have been observed in individuals with OCA2-related conditions (PMID: 29345414), which suggests that this may be a clinically significant amino acid residue. For these reasons, this variant has been classified as Pathogenic.

Clinical Genetics Laboratory, University Hospital Schleswig-Holstein
Classification: Pathogenic for Tyrosinase-positive oculocutaneous albinism. Last evaluated: 2025-02-13. Review status: criteria provided, single submitter. Criteria: ACMG Guidelines, 2015. Collection method: clinical testing. Allele origin: germline. Affected: yes. Observed: 1 heterozygote.
Comment: ACMG criteria applied: PM2, PP1_Strong, PM3, PP3, PS3_Supporting, PP4

Women's Health and Genetics/Laboratory Corporation of America, LabCorp
Classification: Pathogenic for Oculocutaneous albinism. Last evaluated: 2024-07-18. Review status: criteria provided, single submitter. Criteria: LabCorp Variant Classification Summary - May 2015. Collection method: clinical testing. Allele origin: germline.
Comment: Variant summary: OCA2 c.2363C>T (p.Ser788Leu) results in a non-conservative amino acid change in the encoded protein sequence. Five of five in-silico tools predict a damaging effect of the variant on protein function. The variant allele was found at a frequency of 2.8e-05 in 251474 control chromosomes. c.2363C>T has been reported in the literature in the compound heterozygous state together with a second pathogenic variant in multiple individuals affected with Oculocutaneous Albinism (e.g. Yang_2019, Wei_2022). These data indicate that the variant is very likely to be associated with disease. The following publications have been ascertained in the context of this evaluation (PMID: 34838614, 31196117). ClinVar contains an entry for this variant (Variation ID: 627604). Based on the evidence outlined above, the variant was classified as pathogenic.

Baylor Genetics
Classification: Pathogenic for SKIN/HAIR/EYE PIGMENTATION 1, BLUE/NONBLUE EYES. Last evaluated: 2024-03-27. Review status: criteria provided, single submitter. Criteria: ACMG Guidelines, 2015. Collection method: clinical testing. Allele origin: unknown.

Blueprint Genetics
Classification: Likely pathogenic for OCA2-related disorders. Last evaluated: 2023-04-13. Review status: criteria provided, single submitter. Criteria: ACMG Guidelines, 2015. Collection method: clinical testing. Allele origin: germline. Affected: yes. Observed: 5 variant alleles.

Genome-Nilou Lab
Classification: Likely pathogenic for Tyrosinase-positive oculocutaneous albinism. Last evaluated: 2021-11-07. Review status: criteria provided, single submitter. Criteria: ACMG Guidelines, 2015. Collection method: clinical testing. Allele origin: germline. Affected: no.

Juno Genomics, Hangzhou Juno Genomics, Inc
Classification: Pathogenic for Tyrosinase-positive oculocutaneous albinism. Review status: criteria provided, single submitter. Criteria: ACMG Guidelines, 2015. Collection method: clinical testing. Allele origin: germline. Affected: yes.
Comment: Absent from controls (or at extremely low frequency if recessive) in Genome Aggregation Database, Exome Sequencing Project, 1000 Genomes Project, or Exome Aggregation Consortium.;Multiple lines of computational evidence support a deleterious effect on the gene or gene product (conservation, evolutionary, splicing impact, etc).;For recessive disorders, detected in trans with a pathogenic variant.

Center of Medical Genetics, Central South University
Classification: Likely pathogenic for Tyrosinase-positive oculocutaneous albinism. Last evaluated: 2019-03-26. Review status: no assertion criteria provided. Criteria: ACMG Guidelines, 2015. Collection method: clinical testing. Allele origin: germline. Affected: yes. Not counted in ClinVar's aggregate classification.

Literature cited by the submitters: PubMed 31196117 (cited by Labcorp Genetics (formerly Invitae), Labcorp and Women's Health and Genetics/Laboratory Corporation of America, LabCorp); PubMed 31813138 (cited by Labcorp Genetics (formerly Invitae), Labcorp); PubMed 29345414 (cited by Labcorp Genetics (formerly Invitae), Labcorp); PubMed 34838614 (cited by Women's Health and Genetics/Laboratory Corporation of America, LabCorp).

NM_000275.3(OCA2):c.2363C>T (p.Ser788Leu)

Gene: OCA2 (OCA2 melanosomal transmembrane protein; minus strand). Cytogenetic location: 15q13.1.
Variant type: single nucleotide variant.
Coding change: c.2363C>T on transcript NM_000275.3 (MANE Select); coding-DNA position 2363, C replaced by T.
Protein change: p.Ser788Leu; replaces serine 788 with leucine.
Molecular consequence: missense variant.
Genome position (GRCh38, 1-based): chr15:27,845,028, G>A on the plus strand (C>T on the coding strand, the complement: OCA2 is on the minus strand). VCF-style: chr15-27845028-G-A. GRCh37 (hg19) VCF-style: chr15-28090174-G-A.
Other names: c.2291C>T, p.Ser764Leu (NM_001300984.2); short protein forms S788L, S764L.
Identifiers: ClinVar variation 627604 (VCV000627604.25), dbSNP rs147736385, ClinGen allele CA7438595.